The following is an entry in ClinVar:

ClinVar aggregate classification (germline): Uncertain significance (1 of 4 stars; one submission).

Conditions:
Myofibrillar myopathy 5. Also called: Filaminopathy (type); FILAMINOPATHY, AUTOSOMAL DOMINANT. Identifiers: Orphanet 171445, MedGen C1836050, MONDO:0012289, OMIM 609524.
Distal myopathy with posterior leg and anterior hand involvement. Also called: WILLIAMS DISTAL MYOPATHY. Identifiers: Orphanet 63273, MedGen C3279722, MONDO:0013550, OMIM 614065.
Hypertrophic cardiomyopathy 26. Also called: Cardiomyopathy, familial hypertrophic, 26. Identifiers: Orphanet 75249, MedGen C4310749, MONDO:0014883, OMIM 617047.

Submission:

Labcorp Genetics (formerly Invitae), Labcorp
Classification: Uncertain significance for Distal myopathy with posterior leg and anterior hand involvement; Myofibrillar myopathy 5; Hypertrophic cardiomyopathy 26. Last evaluated: 2024-02-24. Review status: criteria provided, single submitter. Criteria: Invitae Variant Classification Sherloc (09022015). Collection method: clinical testing. Allele origin: germline.
Comment: This sequence change falls in intron 19 of the FLNC gene. It does not directly change the encoded amino acid sequence of the FLNC protein. It affects a nucleotide within the consensus splice site. This variant is not present in population databases (gnomAD no frequency). This variant has not been reported in the literature in individuals affected with FLNC-related conditions. ClinVar contains an entry for this variant (Variation ID: 1368593). Variants that disrupt the consensus splice site are a relatively common cause of aberrant splicing (PMID: 17576681, 9536098). Algorithms developed to predict the effect of sequence changes on RNA splicing suggest that this variant may disrupt the consensus splice site. In summary, the available evidence is currently insufficient to determine the role of this variant in disease. Therefore, it has been classified as a Variant of Uncertain Significance.

Literature cited by the submitters: PubMed 17576681; PubMed 9536098.

NM_001458.5(FLNC):c.2929+6T>G

Gene: FLNC (filamin C; plus strand). Cytogenetic location: 7q32.1.
Variant type: single nucleotide variant.
Coding change: c.2929+6T>G on transcript NM_001458.5 (MANE Select); 6 bases into the intron after coding-DNA position 2929, T replaced by G.
Molecular consequence: intron variant.
Genome position (GRCh38, 1-based): chr7:128,843,919, T>G. VCF-style: chr7-128843919-T-G. GRCh37 (hg19) VCF-style: chr7-128483973-T-G.
Other names: c.2929+6T>G (NM_001127487.2).
Identifiers: ClinVar variation 1368593 (VCV001368593.6), dbSNP rs2128936121, ClinGen allele CA2573141724.